The following is an entry in ClinVar:

NM_001197104.2(KMT2A):c.554G>A (p.Arg185Gln)

Gene: KMT2A (lysine methyltransferase 2A; plus strand). Cytogenetic location: 11q23.3.
Variant type: single nucleotide variant.
Coding change: c.554G>A on transcript NM_001197104.2 (MANE Select); coding-DNA position 554, G replaced by A.
Protein change: p.Arg185Gln; replaces arginine 185 with glutamine.
Molecular consequence: missense variant.
Genome position (GRCh38, 1-based): chr11:118,471,713, G>A. VCF-style: chr11-118471713-G-A. GRCh37 (hg19) VCF-style: chr11-118342428-G-A.
Other names: c.653G>A, p.Arg218Gln (NM_001412597.1); c.554G>A, p.Arg185Gln (NM_005933.4); short protein forms R185Q, R218Q.
Identifiers: ClinVar variation 2166390 (VCV002166390.5), dbSNP rs782442429, ClinGen allele CA6303318.

ClinVar aggregate classification (germline): Conflicting classifications of pathogenicity. Review status: criteria provided, conflicting classifications (1 of 4 stars). 2 submissions from 2 submitters: Uncertain significance (1); Likely benign (1). Last evaluated 2025-02-10.

Conditions:
Inborn genetic diseases. Identifiers: MedGen C0950123, MeSH D030342.

Allele frequency attached by ClinVar (database versions not stated): TOPMed below 0.00001; ExAC 0.00001; gnomAD 0.00001; gnomAD exomes 0.00001.
gnomAD v4.1: 18 of 1,604,022 alleles (0.0011%); highest among the groups gnomAD compares: South Asian, 0.0056%; no homozygotes.

Submissions (2):

Labcorp Genetics (formerly Invitae), Labcorp
Classification: Uncertain significance. Last evaluated: 2025-02-10. Review status: criteria provided, single submitter. Criteria: Invitae Variant Classification Sherloc (09022015). Collection method: clinical testing. Allele origin: germline.
Comment: This sequence change replaces arginine, which is basic and polar, with glutamine, which is neutral and polar, at codon 185 of the KMT2A protein (p.Arg185Gln). This variant is present in population databases (rs782442429, gnomAD 0.003%). This variant has not been reported in the literature in individuals affected with KMT2A-related conditions. ClinVar contains an entry for this variant (Variation ID: 2166390). Invitae Evidence Modeling of protein sequence and biophysical properties (such as structural, functional, and spatial information, amino acid conservation, physicochemical variation, residue mobility, and thermodynamic stability) indicates that this missense variant is not expected to disrupt KMT2A protein function with a negative predictive value of 95%. In summary, the available evidence is currently insufficient to determine the role of this variant in disease. Therefore, it has been classified as a Variant of Uncertain Significance.

Ambry Genetics
Classification: Likely benign for Inborn genetic diseases. Last evaluated: 2024-12-10. Review status: criteria provided, single submitter. Criteria: Ambry Variant Classification Scheme 2023. Collection method: clinical testing. Allele origin: germline.